The following is an entry in ClinVar:

NM_001134831.2(AHI1):c.2231A>G (p.Lys744Arg)

Gene: AHI1 (Abelson helper integration site 1; minus strand). Cytogenetic location: 6q23.3.
Variant type: single nucleotide variant.
Coding change: c.2231A>G on transcript NM_001134831.2 (MANE Select); coding-DNA position 2231, A replaced by G.
Protein change: p.Lys744Arg; replaces lysine 744 with arginine.
Molecular consequence: missense variant.
Genome position (GRCh38, 1-based): chr6:135,433,062, T>C on the plus strand (A>G on the coding strand, the complement: AHI1 is on the minus strand). VCF-style: chr6-135433062-T-C. GRCh37 (hg19) VCF-style: chr6-135754200-T-C.
Other names: c.2231A>G, p.Lys744Arg (NM_001134830.2, NM_001134832.2, NM_001350503.2 and 2 more transcripts); short protein forms K744R.
Identifiers: ClinVar variation 838579 (VCV000838579.13), dbSNP rs373014753, ClinGen allele CA4012420.

ClinVar aggregate classification (germline): Uncertain significance. Review status: criteria provided, multiple submitters, no conflicts (2 of 4 stars). 6 submissions from 6 submitters: Uncertain significance (6). Last evaluated 2026-06-02.

Conditions:
Joubert syndrome 3 (JBTS3). Also called: AHI1-related Ciliopathy. Identifiers: Orphanet 220493, MedGen C1837713, MONDO:0012078, OMIM 608629.
Inborn genetic diseases. Identifiers: MedGen C0950123, MeSH D030342.
Joubert syndrome. Also called: JOUBERT-BOLTSHAUSER SYNDROME; Familial aplasia of the vermis. Identifiers: Orphanet 475, MedGen C5979921, MONDO:0018772.

Allele frequency attached by ClinVar (database versions not stated): gnomAD exomes 0.00004 and 0.00008; 1000 Genomes Project 30x 0.00031; ESP Exome Variant Server 0.00017; gnomAD 0.00017 and 0.00016; ExAC 0.00008; TOPMed 0.00019.
gnomAD v4.1: 83 of 1,613,546 alleles (0.0051%); highest among the groups gnomAD compares: Admixed American, 0.037%; no homozygotes.

Submissions (6):

GeneDx
Classification: Uncertain significance. Last evaluated: 2026-06-02. Review status: criteria provided, single submitter. Criteria: GeneDx Variant Classification Process June 2021. Collection method: clinical testing. Allele origin: germline.
Comment: In silico analysis suggests that this missense variant does not alter protein structure/function; Has not been previously published as pathogenic or benign to our knowledge; This variant is associated with the following publications: (PMID: 15467982)

Revvity Omics, Revvity
Classification: Uncertain significance for Joubert syndrome 3. Last evaluated: 2024-02-16. Review status: criteria provided, single submitter. Criteria: ACMG Guidelines, 2015. Collection method: clinical testing. Allele origin: germline.

Neuberg Centre For Genomic Medicine, NCGM
Classification: Uncertain significance for Joubert syndrome 3. Last evaluated: 2023-07-22. Review status: criteria provided, single submitter. Criteria: ACMG Guidelines, 2015. Collection method: clinical testing. Allele origin: germline. Inheritance: Autosomal recessive inheritance. Affected: yes.
Comment: The observed missense c.2231A>G p.Lys744Arg variant in AHI1 gene has not been reported previously as a pathogenic variant nor as a benign variant, to our knowledge. The p.Lys744Arg variant is present with allele frequency of 0.008% in gnomAD Exomes. This variant has been submitted to the ClinVar database as Uncertain Significance. Multiple lines of computational evidence Polyphen - Benign, SIFT - Tolerated and MutationTaster - Polymorphism predict no damaging effect on protein structure and function for this variant. The reference amino acid of p.Lys744Arg in AHI1 is predicted as conserved by GERP++ and PhyloP across 100 vertebrates. The amino acid Lys at position 744 is changed to a Arg changing protein sequence and it might alter its composition and physico-chemical properties. For these reasons, this variant has been classified as a Variant of Uncertain Significance VUS. In absence of another reportable variant in AHI1 gene, the molecular diagnosis is not confirmed.

Labcorp Genetics (formerly Invitae), Labcorp
Classification: Uncertain significance for Joubert syndrome. Last evaluated: 2022-08-19. Review status: criteria provided, single submitter. Criteria: Invitae Variant Classification Sherloc (09022015). Collection method: clinical testing. Allele origin: germline.
Comment: This sequence change replaces lysine, which is basic and polar, with arginine, which is basic and polar, at codon 744 of the AHI1 protein (p.Lys744Arg). This variant is present in population databases (rs373014753, gnomAD 0.03%). This variant has not been reported in the literature in individuals affected with AHI1-related conditions. ClinVar contains an entry for this variant (Variation ID: 838579). Advanced modeling of protein sequence and biophysical properties (such as structural, functional, and spatial information, amino acid conservation, physicochemical variation, residue mobility, and thermodynamic stability) performed at Invitae indicates that this missense variant is not expected to disrupt AHI1 protein function. Algorithms developed to predict the effect of sequence changes on RNA splicing suggest that this variant may create or strengthen a splice site. In summary, the available evidence is currently insufficient to determine the role of this variant in disease. Therefore, it has been classified as a Variant of Uncertain Significance.

Fulgent Genetics
Classification: Uncertain significance for Joubert syndrome 3. Last evaluated: 2022-03-01. Review status: criteria provided, single submitter. Criteria: ACMG Guidelines, 2015. Collection method: clinical testing. Allele origin: unknown.

Ambry Genetics
Classification: Uncertain significance for Inborn genetic diseases. Last evaluated: 2021-08-19. Review status: criteria provided, single submitter. Criteria: Ambry Variant Classification Scheme 2023. Collection method: clinical testing. Allele origin: germline.